The following is an entry in ClinVar:

NM_019066.5(MAGEL2):c.2047C>T (p.Gln683Ter)

Gene: MAGEL2 (MAGE family member L2; minus strand). Cytogenetic location: 15q11.2.
Variant type: single nucleotide variant.
Coding change: c.2047C>T on transcript NM_019066.5 (MANE Select); coding-DNA position 2047, C replaced by T.
Protein change: p.Gln683Ter; replaces glutamine 683 with a stop codon.
Molecular consequence: nonsense.
Genome position (GRCh38, 1-based): chr15:23,645,696, G>A on the plus strand (C>T on the coding strand, the complement: MAGEL2 is on the minus strand). VCF-style: chr15-23645696-G-A. GRCh37 (hg19) VCF-style: chr15-23890843-G-A.
Other names: short protein forms Q683*.
Identifiers: ClinVar variation 5007637 (VCV005007637.1).

ClinVar aggregate classification (germline): Likely pathogenic (1 of 4 stars; one submission).

Conditions:
Schaaf-Yang syndrome (SHFYNG). Also called: MAGEL2-related Prader-Willi-like syndrome; Arthrogryposis, distal, with hypopituitarism, intellectual disability, and facial anomalies. Identifiers: Orphanet 398069, MedGen C5575066, MONDO:0014243, OMIM 615547.

Submission:

Juno Genomics, Hangzhou Juno Genomics, Inc
Classification: Likely pathogenic for Schaaf-Yang syndrome. Review status: criteria provided, single submitter. Criteria: ACMG Guidelines, 2015. Collection method: clinical testing. Allele origin: germline. Affected: yes.
Comment: Absent from controls (or at extremely low frequency if recessive) in Genome Aggregation Database.;De novo (both maternity and paternity confirmed) in a patient with the disease and no family history.;Null variant in a gene where loss of function (LOF) is a known mechanism of disease.